The following is an entry in ClinVar:

NM_000018.4(ACADVL):c.205-1G>C

Gene: ACADVL (acyl-CoA dehydrogenase very long chain; plus strand). Cytogenetic location: 17p13.1.
Variant type: single nucleotide variant.
Coding change: c.205-1G>C on transcript NM_000018.4 (MANE Select); the canonical splice acceptor site of the intron before coding-DNA position 205, G replaced by C.
Molecular consequence: splice acceptor variant.
Genome position (GRCh38, 1-based): chr17:7,220,603, G>C. VCF-style: chr17-7220603-G-C. GRCh37 (hg19) VCF-style: chr17-7123922-G-C.
Other names: c.274-1G>C (NM_001270447.2); c.-24-1G>C (NM_001270448.2); c.139-1G>C (NM_001033859.3).
Identifiers: ClinVar variation 1513651 (VCV001513651.6), dbSNP rs2142965332, ClinGen allele CA397722321.

ClinVar aggregate classification (germline): Likely pathogenic (1 of 4 stars; one submission).

Conditions:
Very long chain acyl-CoA dehydrogenase deficiency (ACADVLD). Also called: Very Long-Chain Acyl-Coenzyme A Dehydrogenase Deficiency; VLCAD Deficiency. Identifiers: Orphanet 26793, MedGen C3887523, MONDO:0008723, OMIM 201475.

Submission:

Labcorp Genetics (formerly Invitae), Labcorp
Classification: Likely pathogenic for Very long chain acyl-CoA dehydrogenase deficiency. Last evaluated: 2021-10-20. Review status: criteria provided, single submitter. Criteria: Invitae Variant Classification Sherloc (09022015). Collection method: clinical testing. Allele origin: germline.
Comment: Algorithms developed to predict the effect of sequence changes on RNA splicing suggest that this variant may disrupt the consensus splice site. This variant has not been reported in the literature in individuals affected with ACADVL-related conditions. This variant is not present in population databases (ExAC no frequency). This sequence change affects an acceptor splice site in intron 3 of the ACADVL gene. It is expected to disrupt RNA splicing. Variants that disrupt the donor or acceptor splice site typically lead to a loss of protein function (PMID: 16199547), and loss-of-function variants in ACADVL are known to be pathogenic (PMID: 9973285, 11590124). In summary, the currently available evidence indicates that the variant is pathogenic, but additional data are needed to prove that conclusively. Therefore, this variant has been classified as Likely Pathogenic.

Literature cited by the submitters: PubMed 16199547; PubMed 9973285; PubMed 11590124.